The following is an entry in ClinVar:

ClinVar aggregate classification (germline): Conflicting classifications of pathogenicity. Review status: criteria provided, conflicting classifications (1 of 4 stars). 2 submissions from 2 submitters: Uncertain significance (1); Likely benign (1). Last evaluated 2025-07-15.

Conditions:
Hereditary cancer-predisposing syndrome. Also called: Hereditary neoplastic syndrome; Neoplastic Syndromes, Hereditary; Tumor predisposition; Hereditary Cancer Syndrome. Identifiers: Orphanet 140162, MedGen C0027672, MeSH D009386, MONDO:0015356.
POLD1-related polyposis and colorectal cancer syndrome (CRCS10). Also called: Colorectal cancer, susceptibility to, 10; Colorectal cancer 10; COLORECTAL CANCER, SUSCEPTIBILITY TO, ON CHROMOSOME 19q. Identifiers: Orphanet 220460, MedGen C2675481, MONDO:0012953, OMIM 612591.

Submissions (2):

Labcorp Genetics (formerly Invitae), Labcorp
Classification: Uncertain significance for POLD1-related polyposis and colorectal cancer syndrome. Last evaluated: 2025-07-15. Review status: criteria provided, single submitter. Criteria: Invitae Variant Classification Sherloc (09022015). Collection method: clinical testing. Allele origin: germline.
Comment: This sequence change replaces threonine, which is neutral and polar, with alanine, which is neutral and non-polar, at codon 989 of the POLD1 protein (p.Thr989Ala). This variant is not present in population databases (gnomAD no frequency). This variant has not been reported in the literature in individuals affected with POLD1-related conditions. ClinVar contains an entry for this variant (Variation ID: 1064020). Invitae Evidence Modeling of protein sequence and biophysical properties (such as structural, functional, and spatial information, amino acid conservation, physicochemical variation, residue mobility, and thermodynamic stability) indicates that this missense variant is not expected to disrupt POLD1 protein function with a negative predictive value of 80%. In summary, the available evidence is currently insufficient to determine the role of this variant in disease. Therefore, it has been classified as a Variant of Uncertain Significance.

Ambry Genetics
Classification: Likely benign for Hereditary cancer-predisposing syndrome. Last evaluated: 2025-02-26. Review status: criteria provided, single submitter. Criteria: Ambry Variant Classification Scheme 2023. Collection method: clinical testing. Allele origin: germline.

NM_002691.4(POLD1):c.2965A>G (p.Thr989Ala)

Gene: POLD1 (DNA polymerase delta 1, catalytic subunit; plus strand). Cytogenetic location: 19q13.33.
Variant type: single nucleotide variant.
Coding change: c.2965A>G on transcript NM_002691.4 (MANE Select); coding-DNA position 2965, A replaced by G.
Protein change: p.Thr989Ala; replaces threonine 989 with alanine.
Molecular consequence: missense variant. On other transcripts: non-coding transcript variant (1).
Genome position (GRCh38, 1-based): chr19:50,416,621, A>G. VCF-style: chr19-50416621-A-G. GRCh37 (hg19) VCF-style: chr19-50919878-A-G.
Other names: c.2965A>G (NM_002691.2); c.2965A>G, p.Thr989Ala (NM_001256849.1); c.3043A>G, p.Thr1015Ala (NM_001308632.1); short protein forms T1015A, T989A.
Identifiers: ClinVar variation 1064020 (VCV001064020.10), dbSNP rs2122495575, ClinGen allele CA406986810.